The following is an entry in ClinVar:

ClinVar aggregate classification (germline): Likely benign (0 of 4 stars; one submission).

Conditions:
GNAS-related disorder. Identifiers: MedGen CN380105.

Submission:

PreventionGenetics, part of Exact Sciences
Classification: Likely benign for GNAS-related condition. Last evaluated: 2024-07-24. Review status: no assertion criteria provided. Collection method: clinical testing. Allele origin: germline.
Comment: This variant is classified as likely benign based on ACMG/AMP sequence variant interpretation guidelines (Richards et al. 2015 PMID: 25741868, with internal and published modifications).

NM_000516.7(GNAS):c.971-7T>C

Gene: GNAS (GNAS complex locus; plus strand). Cytogenetic location: 20q13.32.
Variant type: single nucleotide variant.
Coding change: c.971-7T>C on transcript NM_000516.7 (MANE Select); 7 bases into the intron before coding-DNA position 971, T replaced by C.
Molecular consequence: intron variant.
Genome position (GRCh38, 1-based): chr20:58,910,327, T>C. VCF-style: chr20-58910327-T-C. GRCh37 (hg19) VCF-style: chr20-57485382-T-C.
Other names: c.794-7T>C (NM_001309840.2, NM_001309861.2); c.974-7T>C (NM_001077488.5); c.929-7T>C (NM_080426.4); c.926-7T>C (NM_001077489.4); c.*877-7T>C (NM_016592.5); c.875-7T>C (NM_001410912.1); c.*832-7T>C (NM_001077490.3); c.2900-7T>C (NM_080425.4); and 1 more.
Identifiers: ClinVar variation 3346382 (VCV003346382.1).
Genomic context (GRCh38, chr20:58,910,327, plus strand): 5'-GAGATGCTAGCACCCCAGCTCTGCTTGAATTTTAAATTACATTAATATGTATTCCCTTTT[T>C]ATATAGCTACTCCCGAGCCCGGAGAGGACCCACGCGTGACCCGGGCCAAGTACTTCATTC-3'